The following is an entry in ClinVar:

ClinVar aggregate classification (germline): Benign (1 of 4 stars; one submission).

Conditions:
Colorectal cancer, susceptibility to, 1. Also called: COLORECTAL ADENOMA AND CANCER, SUSCEPTIBILITY TO; COLORECTAL CANCER, SUSCEPTIBILITY TO, ON CHROMOSOME 9. Identifiers: MedGen C1837315, MONDO:0012132, OMIM 608812.

Submission:

Myriad Genetics, Inc.
Classification: Benign for Colorectal cancer, susceptibility to, 1. Last evaluated: 2026-04-23. Review status: criteria provided, single submitter. Criteria: Myriad Autosomal Dominant, Autosomal Recessive and X-Linked Classification Criteria (2023). Collection method: clinical testing. Allele origin: unknown.
Comment: This variant is considered benign. This variant is a silent/synonymous amino acid change and it is not expected to impact splicing.

NM_024642.5(GALNT12):c.423C>T (p.Ile141=)

Gene: GALNT12 (polypeptide N-acetylgalactosaminyltransferase 12; plus strand). Cytogenetic location: 9q22.33.
Variant type: single nucleotide variant.
Coding change: c.423C>T on transcript NM_024642.5 (MANE Select); coding-DNA position 423, C replaced by T.
Protein change: p.Ile141=; no amino-acid change (isoleucine 141 retained).
Molecular consequence: synonymous variant.
Genome position (GRCh38, 1-based): chr9:98,823,307, C>T. VCF-style: chr9-98823307-C-T. GRCh37 (hg19) VCF-style: chr9-101585589-C-T.
Identifiers: ClinVar variation 4875682 (VCV004875682.1).
Genomic context (GRCh38, chr9:98,823,307, plus strand): 5'-TATTTGCAGGTGCAAAGAGAAGAAATATGATTATGATAATTTGCCCAGGACATCTGTTAT[C>T]ATAGCATTTTATAATGAAGCCTGGTCAACTCTCCTTCGGACAGTTTACAGTGTCCTTGAG-3'
Protein context (NP_078918.3, residues 131-151): DYDNLPRTSV[Ile141=]IAFYNEAWST